The following is an entry in ClinVar:

ClinVar aggregate classification (germline): Pathogenic. Review status: criteria provided, multiple submitters, no conflicts (2 of 4 stars). 3 submissions from 3 submitters: Pathogenic (3). Last evaluated 2026-01-07.

Conditions:
Deficiency of alpha-mannosidase (MANSA). Also called: LYSOSOMAL ALPHA-D-MANNOSIDASE DEFICIENCY; Alpha-Mannosidosis; Mannosidosis, alpha-, types I and II. Identifiers: Orphanet 61, MedGen C0024748, MONDO:0009561, OMIM 248500.

Allele frequency attached by ClinVar (database versions not stated): gnomAD exomes below 0.00001; TOPMed below 0.00001; gnomAD 0.00001 and 0.00002.

Submissions (3):

Natera, Inc.
Classification: Pathogenic for Alpha-mannosidosis. Last evaluated: 2026-01-07. Review status: criteria provided, single submitter. Criteria: Natera Variant Classification Schema (03/2026). Collection method: clinical testing. Allele origin: germline.
Comment: The c.2013delT variant in MAN2B1 is a frameshift variant predicted to shift the reading frame and introduce a stop codon. This variant is expected to result in nonsense mediated decay, truncation, or a dysfunctional protein product. This variant is rare in the general population with a frequency below the threshold expected for the associated phenotype(s). This variant has been observed in one or more individuals affected with the associated recessive disease, as either homozygous or compound heterozygous with a second variant (PMID: 22161967). Given the available evidence, this variant is classified as Pathogenic.

Baylor Genetics
Classification: Pathogenic for Deficiency of alpha-mannosidase. Last evaluated: 2024-03-13. Review status: criteria provided, single submitter. Criteria: ACMG Guidelines, 2015. Collection method: clinical testing. Allele origin: unknown.

Labcorp Genetics (formerly Invitae), Labcorp
Classification: Pathogenic for Deficiency of alpha-mannosidase. Last evaluated: 2019-01-28. Review status: criteria provided, single submitter. Criteria: Invitae Variant Classification Sherloc (09022015). Collection method: clinical testing. Allele origin: germline.
Comment: This variant is not present in population databases (ExAC no frequency). This sequence change creates a premature translational stop signal (p.Val672*) in the MAN2B1 gene. It is expected to result in an absent or disrupted protein product. This variant has been observed in an individual affected with mannosidosis (PMID: 22161967) Loss-of-function variants in MAN2B1 are known to be pathogenic (PMID: 9915946, 22161967). For these reasons, this variant has been classified as Pathogenic.

Literature cited by the submitters: PubMed 22161967 (cited by Natera, Inc. and Labcorp Genetics (formerly Invitae), Labcorp); PubMed 9915946 (cited by Labcorp Genetics (formerly Invitae), Labcorp).

NM_000528.4(MAN2B1):c.2013del (p.Pro671_Val672insTer)

Gene: MAN2B1 (mannosidase alpha class 2B member 1; minus strand). Cytogenetic location: 19p13.13.
Variant type: Deletion.
Coding change: c.2013del on transcript NM_000528.4 (MANE Select); coding-DNA position 2013, one base deleted (T; older notation c.2013delT).
Protein change: p.Pro671_Val672insTer.
Molecular consequence: frameshift variant.
Genome position (GRCh38, 1-based): chr19:12,652,186, A deleted on the plus strand (T on the coding strand, the reverse complement: MAN2B1 is on the minus strand). VCF-style (leftmost placement, unchanged base first): chr19-12652185-CA-C. GRCh37 (hg19) VCF-style: chr19-12762999-CA-C.
Other names: c.2013delT (NM_000528.3); c.2010del, p.Pro670_Val671insTer (NM_001173498.2).
Identifiers: ClinVar variation 848854 (VCV000848854.12), dbSNP rs999923581, ClinGen allele CA305464202.